The following is an entry in ClinVar:

ClinVar aggregate classification (germline): Benign (3 of 4 stars; one submission).

Conditions:
Breast-ovarian cancer, familial, susceptibility to, 2 (BROVCA2). Also called: BRCA2 Hereditary Breast and Ovarian Cancer. Identifiers: Orphanet 145, MedGen C2675520, MONDO:0012933, OMIM 612555. Disease mechanism: loss of function.

Allele frequency attached by ClinVar (database versions not stated): gnomAD 0.00189 and 0.00205; TOPMed 0.00212; 1000 Genomes Project 30x 0.00219; 1000 Genomes Project 0.00240.
gnomAD v4.1: 284 of 152,018 alleles (0.19%); highest among the groups gnomAD compares: African/African-American, 0.66%; no homozygotes.

Submission:

Evidence-based Network for the Interpretation of Germline Mutant Alleles (ENIGMA)
Classification: Benign for Breast-ovarian cancer, familial 2. Last evaluated: 2015-01-12. Review status: reviewed by expert panel. Criteria: ENIGMA BRCA1/2 Classification Criteria (2015). Collection method: curation. Allele origin: germline.
Comment: Class 1 not pathogenic based on frequency >1% in an outbred sampleset. Frequency 0.01016 (African), derived from 1000 genomes (2012-04-30).

NM_000059.4(BRCA2):c.9257-543G>A

Gene: BRCA2 (BRCA2 DNA repair associated; plus strand). Cytogenetic location: 13q13.1.
Variant type: single nucleotide variant.
Coding change: c.9257-543G>A on transcript NM_000059.4 (MANE Select); 543 bases into the intron before coding-DNA position 9257, G replaced by A.
Molecular consequence: intron variant.
Genome position (GRCh38, 1-based): chr13:32,394,146, G>A. VCF-style: chr13-32394146-G-A. GRCh37 (hg19) VCF-style: chr13-32968283-G-A.
Other names: IVS 24-543G>A.
Identifiers: ClinVar variation 209905 (VCV000209905.1), dbSNP rs116833677, ClinGen allele CA276873.